The following is an entry in ClinVar:

ClinVar aggregate classification (germline): Pathogenic (0 of 4 stars; one submission).

Conditions:
Alkaptonuria (AKU). Also called: Alkaptonuric ochronosis; Homogentisic acidura; HOMOGENTISIC ACID OXIDASE DEFICIENCY; Alcaptonuria. Identifiers: Orphanet 56, MedGen C0002066, MONDO:0008753, OMIM 203500.

Submission:

Department Of Human Genetics, Institute Of Clinical And Translational Research, Biomedical Research Center, Slovak Academy Of Sciences
Classification: Pathogenic for Alkaptonuria. Review status: no assertion criteria provided. Collection method: research. Allele origin: germline. Inheritance: Autosomal recessive inheritance. Affected: yes. Observed: 1 variant allele.
Comment: The variant was originally described in PMID:30737480. It has been submitted to the HGD gene mutation database (DB-ID: AKU_00188).

Literature cited by the submitters: PubMed 30737480.

NM_000187.4(HGD):c.774+1G>T

Gene: HGD (homogentisate 1,2-dioxygenase; minus strand). Cytogenetic location: 3q13.33.
Variant type: single nucleotide variant.
Coding change: c.774+1G>T on transcript NM_000187.4 (MANE Select); the canonical splice donor site of the intron after coding-DNA position 774, G replaced by T.
Molecular consequence: splice donor variant.
Genome position (GRCh38, 1-based): chr3:120,644,318, C>A on the plus strand (G>T on the coding strand, the complement: HGD is on the minus strand). VCF-style: chr3-120644318-C-A. GRCh37 (hg19) VCF-style: chr3-120363165-C-A.
Identifiers: ClinVar variation 2584686 (VCV002584686.2), dbSNP rs2472689364, ClinGen allele CA354074763.